The following is an entry in ClinVar:

NM_000751.3(CHRND):c.1444G>C (p.Val482Leu)

Gene: CHRND (cholinergic receptor nicotinic delta subunit; plus strand). Cytogenetic location: 2q37.1.
Variant type: single nucleotide variant.
Coding change: c.1444G>C on transcript NM_000751.3 (MANE Select); coding-DNA position 1444, G replaced by C.
Protein change: p.Val482Leu; replaces valine 482 with leucine.
Molecular consequence: missense variant.
Genome position (GRCh38, 1-based): chr2:232,535,202, G>C. VCF-style: chr2-232535202-G-C. GRCh37 (hg19) VCF-style: chr2-233399912-G-C.
Other names: c.1399G>C, p.Val467Leu (NM_001256657.2); c.862G>C, p.Val288Leu (NM_001311195.2); c.1141G>C, p.Val381Leu (NM_001311196.2); short protein forms V482L, V467L, V288L, V381L.
Identifiers: ClinVar variation 2733733 (VCV002733733.3), dbSNP rs2469737575, ClinGen allele CA351006031.
Genomic context (GRCh38, chr2:232,535,202, plus strand): 5'-TGGAACCGAGTGGCCCGCACAGTGGACCGCCTCTGCCTGTTTGTGGTGACGCCTGTCATG[G>C]TGGTGGGCACAGCCTGGATCTTCCTGCAGGGCGTTTACAACCAGCCACCACCCCAGCCTT-3'
Protein context (NP_000742.1, residues 472-492): LCLFVVTPVM[Val482Leu]VGTAWIFLQG

ClinVar aggregate classification (germline): Uncertain significance (1 of 4 stars; one submission).

Conditions:
Lethal multiple pterygium syndrome (LMPS). Identifiers: Orphanet 33108, MedGen C1854678, MONDO:0009668, OMIM 253290.

Submission:

Labcorp Genetics (formerly Invitae), Labcorp
Classification: Uncertain significance for Lethal multiple pterygium syndrome. Last evaluated: 2023-06-30. Review status: criteria provided, single submitter. Criteria: Invitae Variant Classification Sherloc (09022015). Collection method: clinical testing. Allele origin: germline.
Comment: Advanced modeling of protein sequence and biophysical properties (such as structural, functional, and spatial information, amino acid conservation, physicochemical variation, residue mobility, and thermodynamic stability) performed at Invitae indicates that this missense variant is not expected to disrupt CHRND protein function. In summary, the available evidence is currently insufficient to determine the role of this variant in disease. Therefore, it has been classified as a Variant of Uncertain Significance. This variant has not been reported in the literature in individuals affected with CHRND-related conditions. This variant is not present in population databases (gnomAD no frequency). This sequence change replaces valine, which is neutral and non-polar, with leucine, which is neutral and non-polar, at codon 482 of the CHRND protein (p.Val482Leu).